The following is an entry in ClinVar:

NM_144997.7(FLCN):c.162G>C (p.Met54Ile)

Gene: FLCN (folliculin; minus strand). Cytogenetic location: 17p11.2.
Variant type: single nucleotide variant.
Coding change: c.162G>C on transcript NM_144997.7 (MANE Select); coding-DNA position 162, G replaced by C.
Protein change: p.Met54Ile; replaces methionine 54 with isoleucine.
Molecular consequence: missense variant.
Genome position (GRCh38, 1-based): chr17:17,227,976, C>G on the plus strand (G>C on the coding strand, the complement: FLCN is on the minus strand). VCF-style: chr17-17227976-C-G. GRCh37 (hg19) VCF-style: chr17-17131290-C-G.
Other names: c.162G>C, p.Met54Ile (NM_001353229.2, NM_001353230.2, NM_001353231.2 and 1 more transcripts); short protein forms M54I.
Identifiers: ClinVar variation 4257927 (VCV004257927.1).

ClinVar aggregate classification (germline): Uncertain significance (1 of 4 stars; one submission).

Conditions:
Hereditary cancer-predisposing syndrome. Also called: Hereditary Cancer Syndrome; Hereditary neoplastic syndrome; Neoplastic Syndromes, Hereditary; Tumor predisposition. Identifiers: Orphanet 140162, MedGen C0027672, MeSH D009386, MONDO:0015356.

Submission:

Ambry Genetics
Classification: Uncertain significance for Hereditary cancer-predisposing syndrome. Last evaluated: 2025-07-14. Review status: criteria provided, single submitter. Criteria: Ambry Variant Classification Scheme 2023. Collection method: clinical testing. Allele origin: germline.
Comment: The p.M54I variant (also known as c.162G>C), located in coding exon 1 of the FLCN gene, results from a G to C substitution at nucleotide position 162. The methionine at codon 54 is replaced by isoleucine, an amino acid with highly similar properties. This amino acid position is highly conserved in available vertebrate species. In addition, this alteration is predicted to be deleterious by in silico analysis. Based on the available evidence, the clinical significance of this variant remains unclear.